The following is an entry in ClinVar:

ClinVar aggregate classification (germline): Uncertain significance. Review status: criteria provided, multiple submitters, no conflicts (2 of 4 stars). 2 submissions from 2 submitters: Uncertain significance (2). Last evaluated 2024-12-12.

Conditions:
Inborn genetic diseases. Identifiers: MedGen C0950123, MeSH D030342.
Dyskeratosis congenita. Identifiers: Orphanet 1775, MedGen C0265965, MONDO:0015780.

gnomAD v4.1: 65 of 1,614,032 alleles (0.004%); highest among the groups gnomAD compares: Non-Finnish European, 0.0052%; no homozygotes.

Submissions (2):

Labcorp Genetics (formerly Invitae), Labcorp
Classification: Uncertain significance for Dyskeratosis congenita. Last evaluated: 2024-12-12. Review status: criteria provided, single submitter. Criteria: Invitae Variant Classification Sherloc (09022015). Collection method: clinical testing. Allele origin: germline.
Comment: This sequence change replaces valine, which is neutral and non-polar, with methionine, which is neutral and non-polar, at codon 186 of the CTC1 protein (p.Val186Met). This variant is present in population databases (rs185346402, gnomAD 0.01%). This variant has not been reported in the literature in individuals affected with CTC1-related conditions. ClinVar contains an entry for this variant (Variation ID: 1348639). Invitae Evidence Modeling of protein sequence and biophysical properties (such as structural, functional, and spatial information, amino acid conservation, physicochemical variation, residue mobility, and thermodynamic stability) indicates that this missense variant is expected to disrupt CTC1 protein function with a positive predictive value of 80%. In summary, the available evidence is currently insufficient to determine the role of this variant in disease. Therefore, it has been classified as a Variant of Uncertain Significance.

Ambry Genetics
Classification: Uncertain significance for Inborn genetic diseases. Last evaluated: 2023-11-09. Review status: criteria provided, single submitter. Criteria: Ambry Variant Classification Scheme 2023. Collection method: clinical testing. Allele origin: germline.

NM_025099.6(CTC1):c.556G>A (p.Val186Met)

Gene: CTC1 (CST telomere replication complex component 1; minus strand). Cytogenetic location: 17p13.1.
Variant type: single nucleotide variant.
Coding change: c.556G>A on transcript NM_025099.6 (MANE Select); coding-DNA position 556, G replaced by A.
Protein change: p.Val186Met; replaces valine 186 with methionine.
Molecular consequence: missense variant. On other transcripts: non-coding transcript variant (1).
Genome position (GRCh38, 1-based): chr17:8,238,122, C>T on the plus strand (G>A on the coding strand, the complement: CTC1 is on the minus strand). VCF-style: chr17-8238122-C-T. GRCh37 (hg19) VCF-style: chr17-8141440-C-T.
Other names: c.556G>A (NM_025099.5); short protein forms V186M.
Identifiers: ClinVar variation 1348639 (VCV001348639.6), dbSNP rs185346402, ClinGen allele CA8372609.